The following is an entry in ClinVar:

ClinVar aggregate classification (germline): Uncertain significance (1 of 4 stars; one submission).

Allele frequency attached by ClinVar (database versions not stated): gnomAD exomes below 0.00001; TOPMed below 0.00001; ExAC 0.00001; gnomAD 0.00001; ESP Exome Variant Server 0.00008.
gnomAD v4.1: 2 of 1,614,066 alleles (0.00012%); highest among the groups gnomAD compares: African/African-American, 0.0027%; no homozygotes.

Submission:

GeneDx
Classification: Uncertain significance. Last evaluated: 2022-04-21. Review status: criteria provided, single submitter. Criteria: GeneDx Variant Classification Process June 2021. Collection method: clinical testing. Allele origin: germline. Affected: yes.
Comment: In silico analysis supports that this missense variant has a deleterious effect on protein structure/function; Has not been previously published as pathogenic or benign to our knowledge

NM_004736.4(XPR1):c.1408A>G (p.Thr470Ala)

Gene: XPR1 (xenotropic and polytropic retrovirus receptor 1; plus strand). Cytogenetic location: 1q25.3.
Variant type: single nucleotide variant.
Coding change: c.1408A>G on transcript NM_004736.4 (MANE Select); coding-DNA position 1408, A replaced by G.
Protein change: p.Thr470Ala; replaces threonine 470 with alanine.
Molecular consequence: missense variant. On other transcripts: intron variant (1).
Genome position (GRCh38, 1-based): chr1:180,836,623, A>G. VCF-style: chr1-180836623-A-G. GRCh37 (hg19) VCF-style: chr1-180805759-A-G.
Other names: c.1408A>G, p.Thr470Ala (NM_001328662.2); c.1306+1578A>G (NM_001135669.2); short protein forms T470A.
Identifiers: ClinVar variation 1711948 (VCV001711948.2), dbSNP rs367582626, ClinGen allele CA1272766.